The following is an entry in ClinVar:

ClinVar aggregate classification (germline): Uncertain significance (1 of 4 stars; one submission).

Conditions:
Adams-Oliver syndrome 4 (AOS4). Identifiers: Orphanet 974, MedGen C3809092, MONDO:0014124, OMIM 615297.

Allele frequency attached by ClinVar (database versions not stated): ExAC 0.00001; gnomAD exomes 0.00001; gnomAD 0.00003; TOPMed 0.00003.
gnomAD v4.1: 18 of 1,528,688 alleles (0.0012%); highest among the groups gnomAD compares: Middle Eastern, 0.017%; no homozygotes.

Submission:

Labcorp Genetics (formerly Invitae), Labcorp
Classification: Uncertain significance for Adams-Oliver syndrome 4. Last evaluated: 2022-05-12. Review status: criteria provided, single submitter. Criteria: Invitae Variant Classification Sherloc (09022015). Collection method: clinical testing. Allele origin: germline.
Comment: In summary, the available evidence is currently insufficient to determine the role of this variant in disease. Therefore, it has been classified as a Variant of Uncertain Significance. Algorithms developed to predict the effect of sequence changes on RNA splicing suggest that this variant may disrupt the consensus splice site. This variant has not been reported in the literature in individuals affected with EOGT-related conditions. This sequence change falls in intron 6 of the EOGT gene. It does not directly change the encoded amino acid sequence of the EOGT protein. This variant is present in population databases (rs776243549, gnomAD 0.006%).

NM_001278689.2(EOGT):c.421-8A>G

Gene: EOGT (EGF domain specific O-linked N-acetylglucosamine transferase; minus strand). Cytogenetic location: 3p14.1.
Variant type: single nucleotide variant.
Coding change: c.421-8A>G on transcript NM_001278689.2 (MANE Select); 8 bases into the intron before coding-DNA position 421, A replaced by G.
Molecular consequence: intron variant.
Genome position (GRCh38, 1-based): chr3:69,005,242, T>C on the plus strand (A>G on the coding strand, the complement: EOGT is on the minus strand). VCF-style: chr3-69005242-T-C. GRCh37 (hg19) VCF-style: chr3-69054393-T-C.
Other names: c.421-8A>G (NM_173654.3).
Identifiers: ClinVar variation 2052256 (VCV002052256.4), dbSNP rs776243549, ClinGen allele CA2486923.